The following is an entry in ClinVar:

ClinVar aggregate classification (germline): Conflicting classifications of pathogenicity. Review status: criteria provided, conflicting classifications (1 of 4 stars). 2 submissions from 2 submitters: Likely pathogenic (1); Uncertain significance (1). Last evaluated 2025-09-18.

Conditions:
Cognitive impairment - coarse facies - heart defects - obesity - pulmonary involvement - short stature - skeletal dysplasia syndrome. Also called: COGNITIVE IMPAIRMENT, COARSE FACIES, HEART DEFECTS, OBESITY, PULMONARY INVOLVEMENT, SHORT STATURE, AND SKELETAL DYSPLASIA; Chops syndrome; AFF4-Related CHOPS Syndrome. Identifiers: Orphanet 444077, MedGen C4085597, MONDO:0014609, OMIM 616368.

gnomAD v4.1: 1 of 1,613,864 alleles (0.000062%); highest among the groups gnomAD compares: Non-Finnish European, 0.000085%; no homozygotes.

Submissions (2):

GeneDx
Classification: Uncertain significance. Last evaluated: 2025-09-18. Review status: criteria provided, single submitter. Criteria: GeneDx Variant Classification Process June 2021. Collection method: clinical testing. Allele origin: germline.
Comment: Not observed at significant frequency in large population cohorts (gnomAD); In silico analysis supports that this missense variant has a deleterious effect on protein structure/function; Has not been previously published as pathogenic or benign to our knowledge

Victorian Clinical Genetics Services, Murdoch Childrens Research Institute
Classification: Likely pathogenic for Cognitive impairment - coarse facies - heart defects - obesity - pulmonary involvement - short stature - skeletal dysplasia syndrome. Last evaluated: 2024-10-08. Review status: criteria provided, single submitter. Criteria: ACMG Guidelines, 2015. Collection method: clinical testing. Allele origin: germline. Inheritance: Autosomal dominant inheritance. Affected: yes.
Comment: Based on the classification scheme VCGS_Germline_v1.3.4, this variant is classified as Likely pathogenic. Following criteria are met: 0101 - Gain of function is a known mechanism of disease in this gene and is associated with CHOPS syndrome (MIM#616368) (PMID: 25730767). (I) 0107 - This gene is associated with autosomal dominant disease. (I) 0200 - Variant is predicted to result in a missense amino acid change from arginine to histidine. (I) 0254 - This variant is suspected mosaic. (I) 0301 - Variant is absent from gnomAD (both v2 and v3). (SP) 0502 - Missense variant with conflicting in silico predictions and uninformative conservation. (I) 0600 - Variant is located in the annotated AF-4 domain (DECIPHER). (I) 0705 - No comparable missense variants have previous evidence for pathogenicity. (I) 0807 - This variant has no previous evidence of pathogenicity. (I) 0905 - No published segregation evidence has been identified for this variant. (I) 1007 - No published functional evidence has been identified for this variant. (SP) Legend: (SP) - Supporting pathogenic, (I) - Information, (SB) - Supporting benign

Literature cited by the submitters: PubMed 25730767 (cited by Victorian Clinical Genetics Services, Murdoch Childrens Research Institute).

NM_014423.4(AFF4):c.29G>A (p.Arg10His)

Gene: AFF4 (ALF transcription elongation factor 4; minus strand). Cytogenetic location: 5q31.1.
Variant type: single nucleotide variant.
Coding change: c.29G>A on transcript NM_014423.4 (MANE Select); coding-DNA position 29, G replaced by A.
Protein change: p.Arg10His; replaces arginine 10 with histidine.
Molecular consequence: missense variant.
Genome position (GRCh38, 1-based): chr5:132,937,161, C>T on the plus strand (G>A on the coding strand, the complement: AFF4 is on the minus strand). VCF-style: chr5-132937161-C-T. GRCh37 (hg19) VCF-style: chr5-132272853-C-T.
Other names: short protein forms R10H.
Identifiers: ClinVar variation 3343134 (VCV003343134.3).